The following is an entry in ClinVar:

NM_004281.4(BAG3):c.1493C>T (p.Ala498Val)

Gene: BAG3 (BAG cochaperone 3; plus strand). Cytogenetic location: 10q26.11.
Variant type: single nucleotide variant.
Coding change: c.1493C>T on transcript NM_004281.4 (MANE Select); coding-DNA position 1493, C replaced by T.
Protein change: p.Ala498Val; replaces alanine 498 with valine.
Molecular consequence: missense variant.
Genome position (GRCh38, 1-based): chr10:119,677,047, C>T. VCF-style: chr10-119677047-C-T. GRCh37 (hg19) VCF-style: chr10-121436559-C-T.
Other names: short protein forms A498V.
Identifiers: ClinVar variation 3750816 (VCV003750816.2).

ClinVar aggregate classification (germline): Uncertain significance (1 of 4 stars; one submission).

Conditions:
Myofibrillar myopathy 6. Identifiers: Orphanet 199340, MedGen C2751831, MONDO:0013061, OMIM 612954.
Dilated cardiomyopathy 1HH (CMD1HH). Identifiers: Orphanet 154, MedGen C3151293, MONDO:0013479, OMIM 613881.

Submission:

Labcorp Genetics (formerly Invitae), Labcorp
Classification: Uncertain significance for Dilated cardiomyopathy 1HH; Myofibrillar myopathy 6. Last evaluated: 2025-11-06. Review status: criteria provided, single submitter. Criteria: Invitae Variant Classification Sherloc (09022015). Collection method: clinical testing. Allele origin: germline.
Comment: This sequence change replaces alanine, which is neutral and non-polar, with valine, which is neutral and non-polar, at codon 498 of the BAG3 protein (p.Ala498Val). This variant is not present in population databases (gnomAD no frequency). This variant has not been reported in the literature in individuals affected with BAG3-related conditions. ClinVar contains an entry for this variant (Variation ID: 3750816). Invitae Evidence Modeling of protein sequence and biophysical properties (such as structural, functional, and spatial information, amino acid conservation, physicochemical variation, residue mobility, and thermodynamic stability) indicates that this missense variant is not expected to disrupt BAG3 protein function with a negative predictive value of 80%. In summary, the available evidence is currently insufficient to determine the role of this variant in disease. Therefore, it has been classified as a Variant of Uncertain Significance.